The following is an entry in ClinVar:

NM_001458.5(FLNC):c.7303G>A (p.Gly2435Ser)

Genes: FLNC-AS1 (FLNC antisense RNA 1; minus strand), FLNC (filamin C; plus strand). Cytogenetic location: 7q32.1.
Variant type: single nucleotide variant.
Coding change: c.7303G>A on transcript NM_001458.5 (MANE Select); coding-DNA position 7303, G replaced by A.
Protein change: p.Gly2435Ser; replaces glycine 2435 with serine.
Molecular consequence: missense variant.
Genome position (GRCh38, 1-based): chr7:128,856,569, G>A. VCF-style: chr7-128856569-G-A. GRCh37 (hg19) VCF-style: chr7-128496623-G-A.
Other names: c.7204G>A, p.Gly2402Ser (NM_001127487.2); short protein forms G2435S, G2402S.
Identifiers: ClinVar variation 2045075 (VCV002045075.5), dbSNP rs1313350728, ClinGen allele CA369216675.

ClinVar aggregate classification (germline): Uncertain significance. Review status: criteria provided, multiple submitters, no conflicts (2 of 4 stars). 2 submissions from 2 submitters: Uncertain significance (2). Last evaluated 2024-12-27.

Conditions:
Cardiovascular phenotype. Identifiers: MedGen CN230736.
Hypertrophic cardiomyopathy 26. Also called: Cardiomyopathy, familial hypertrophic, 26. Identifiers: Orphanet 75249, MedGen C4310749, MONDO:0014883, OMIM 617047.
Myofibrillar myopathy 5. Also called: Filaminopathy (type); FILAMINOPATHY, AUTOSOMAL DOMINANT. Identifiers: Orphanet 171445, MedGen C1836050, MONDO:0012289, OMIM 609524.
Distal myopathy with posterior leg and anterior hand involvement. Also called: WILLIAMS DISTAL MYOPATHY. Identifiers: Orphanet 63273, MedGen C3279722, MONDO:0013550, OMIM 614065.

Allele frequency attached by ClinVar (database versions not stated): gnomAD exomes below 0.00001; gnomAD 0.00001; TOPMed 0.00001.

Submissions (2):

Labcorp Genetics (formerly Invitae), Labcorp
Classification: Uncertain significance for Distal myopathy with posterior leg and anterior hand involvement; Myofibrillar myopathy 5; Hypertrophic cardiomyopathy 26. Last evaluated: 2024-12-27. Review status: criteria provided, single submitter. Criteria: Invitae Variant Classification Sherloc (09022015). Collection method: clinical testing. Allele origin: germline.
Comment: This sequence change replaces glycine, which is neutral and non-polar, with serine, which is neutral and polar, at codon 2435 of the FLNC protein (p.Gly2435Ser). This variant is not present in population databases (gnomAD no frequency). This variant has not been reported in the literature in individuals affected with FLNC-related conditions. ClinVar contains an entry for this variant (Variation ID: 2045075). An algorithm developed to predict the effect of missense changes on protein structure and function (PolyPhen-2) suggests that this variant is likely to be disruptive. In summary, the available evidence is currently insufficient to determine the role of this variant in disease. Therefore, it has been classified as a Variant of Uncertain Significance.

Ambry Genetics
Classification: Uncertain significance for Cardiovascular phenotype. Last evaluated: 2024-02-26. Review status: criteria provided, single submitter. Criteria: Ambry Variant Classification Scheme 2023. Collection method: clinical testing. Allele origin: germline.
Comment: The p.G2435S variant (also known as c.7303G>A), located in coding exon 44 of the FLNC gene, results from a G to A substitution at nucleotide position 7303. The glycine at codon 2435 is replaced by serine, an amino acid with similar properties. This amino acid position is conserved. In addition, this alteration is predicted to be deleterious by in silico analysis. Based on the available evidence, the clinical significance of this alteration remains unclear.